The following is an entry in ClinVar:

ClinVar aggregate classification (germline): Likely pathogenic (1 of 4 stars; one submission).

Conditions:
Juvenile retinoschisis (RS1). Also called: X-linked retinoschisis; X-Linked Juvenile Retinoschisis. Identifiers: Orphanet 792, MedGen C3714753, MONDO:0010725, OMIM 312700.

Submission:

3billion
Classification: Likely pathogenic for Juvenile retinoschisis. Last evaluated: 2022-09-01. Review status: criteria provided, single submitter. Criteria: ACMG Guidelines, 2015. Collection method: clinical testing. Allele origin: germline. Affected: yes. Observed: 1 heterozygote.
Comment: The variant is not observed in the gnomAD v2.1.1 dataset. Frameshift and Stop-gained (nonsense) is predicted to result in a loss or disruption of normal protein function through nonsense-mediated decay (NMD) or protein truncation. Multiple pathogenic variants are reported downstream of the variant. Therefore, this variant is classified as Likely pathogenic according to the recommendation of ACMG/AMP guideline.

NM_000330.4(RS1):c.101dup (p.Tyr34Ter)

Gene: RS1 (retinoschisin 1; minus strand). Cytogenetic location: Xp22.13.
Variant type: Duplication.
Coding change: c.101dup on transcript NM_000330.4 (MANE Select); coding-DNA position 101, one base duplicated (A; older notation c.101dupA).
Protein change: p.Tyr34Ter; replaces tyrosine 34 with a stop codon.
Molecular consequence: nonsense.
Genome position (GRCh38, 1-based): chrX:18,656,736, T duplicated on the plus strand (A on the coding strand, the reverse complement: RS1 is on the minus strand). VCF-style (leftmost placement, unchanged base first): chrX-18656735-G-GT. GRCh37 (hg19) VCF-style: chrX-18674855-G-GT.
Other names: short protein forms Y34*.
Identifiers: ClinVar variation 1705356 (VCV001705356.1), dbSNP rs2518937903, ClinGen allele CA2580100415.